The following is an entry in ClinVar:

ClinVar aggregate classification (germline): Uncertain significance (1 of 4 stars; one submission).

gnomAD v4.1: 6 of 1,210,693 alleles (0.0005%); highest among the groups gnomAD compares: Non-Finnish European, 0.00067%; no homozygotes.

Submission:

Labcorp Genetics (formerly Invitae), Labcorp
Classification: Uncertain significance. Last evaluated: 2025-02-27. Review status: criteria provided, single submitter. Criteria: Invitae Variant Classification Sherloc (09022015). Collection method: clinical testing. Allele origin: germline.
Comment: This sequence change replaces glutamine, which is neutral and polar, with glutamic acid, which is acidic and polar, at codon 360 of the ATP6AP1 protein (p.Gln360Glu). This variant is not present in population databases (gnomAD no frequency). This variant has not been reported in the literature in individuals affected with ATP6AP1-related conditions. Invitae Evidence Modeling of protein sequence and biophysical properties (such as structural, functional, and spatial information, amino acid conservation, physicochemical variation, residue mobility, and thermodynamic stability) indicates that this missense variant is not expected to disrupt ATP6AP1 protein function with a negative predictive value of 80%. In summary, the available evidence is currently insufficient to determine the role of this variant in disease. Therefore, it has been classified as a Variant of Uncertain Significance.

NM_001183.6(ATP6AP1):c.1078C>G (p.Gln360Glu)

Gene: ATP6AP1 (ATPase H+ transporting accessory protein 1; plus strand). Cytogenetic location: Xq28.
Variant type: single nucleotide variant.
Coding change: c.1078C>G on transcript NM_001183.6 (MANE Select); coding-DNA position 1078, C replaced by G.
Protein change: p.Gln360Glu; replaces glutamine 360 with glutamic acid.
Molecular consequence: missense variant.
Genome position (GRCh38, 1-based): chrX:154,435,380, C>G. VCF-style: chrX-154435380-C-G. GRCh37 (hg19) VCF-style: chrX-153663726-C-G.
Other names: short protein forms Q360E.
Identifiers: ClinVar variation 3674145 (VCV003674145.2).